The following is an entry in ClinVar:

ClinVar aggregate classification (germline): Conflicting classifications of pathogenicity. Review status: criteria provided, conflicting classifications (1 of 4 stars). 2 submissions from 2 submitters: Uncertain significance (1); Likely benign (1). Last evaluated 2025-04-25.

Conditions:
USH2A-related disorder. Also called: USH2A-related disorders; USH2A-related condition. Identifiers: MedGen CN239332.

gnomAD v4.1: 17 of 152,236 alleles (0.011%); highest among the groups gnomAD compares: African/African-American, 0.041%; no homozygotes.

Submissions (2):

PreventionGenetics, part of Exact Sciences
Classification: Likely benign for USH2A-related condition. Last evaluated: 2025-04-25. Review status: criteria provided, single submitter. Criteria: ACMG Guidelines, 2015. Collection method: clinical testing. Allele origin: germline.
Comment: This variant is classified as likely benign based on ACMG/AMP sequence variant interpretation guidelines (Richards et al. 2015 PMID: 25741868, with internal and published modifications).

Blueprint Genetics
Classification: Uncertain significance. Last evaluated: 2023-09-13. Review status: criteria provided, single submitter. Criteria: ACMG Guidelines, 2015. Collection method: clinical testing. Allele origin: germline.

NM_206933.4(USH2A):c.8845+626G>A

Gene: USH2A (usherin; minus strand). Cytogenetic location: 1q41.
Variant type: single nucleotide variant.
Coding change: c.8845+626G>A on transcript NM_206933.4 (MANE Select); 626 bases into the intron after coding-DNA position 8845, G replaced by A.
Molecular consequence: intron variant.
Genome position (GRCh38, 1-based): chr1:215,866,381, C>T on the plus strand (G>A on the coding strand, the complement: USH2A is on the minus strand). VCF-style: chr1-215866381-C-T. GRCh37 (hg19) VCF-style: chr1-216039723-C-T.
Other names: c.8845+626G>A (NM_206933.2).
Identifiers: ClinVar variation 4936143 (VCV004936143.2).
Genomic context (GRCh38, chr1:215,866,381, plus strand): 5'-TACTGTGGTTTCTAACGTTGCAGGAACAGATTAGATTACTCTGTGAACTCTTCCAAATGC[C>T]TGTTAAAAAAGTGTTCCCAGCAGGTCCAGGGTCGACCCTGCATTATTTAAGTGGATCCAG-3'